The following is an entry in ClinVar:

NM_001385001.1(MCTP2):c.2629G>A (p.Ala877Thr)

Gene: MCTP2 (multiple C2 and transmembrane domain containing 2; plus strand). Cytogenetic location: 15q26.2.
Variant type: single nucleotide variant.
Coding change: c.2629G>A on transcript NM_001385001.1 (MANE Select); coding-DNA position 2629, G replaced by A.
Protein change: p.Ala877Thr; replaces alanine 877 with threonine.
Molecular consequence: missense variant. On other transcripts: non-coding transcript variant (7).
Genome position (GRCh38, 1-based): chr15:94,479,026, G>A. VCF-style: chr15-94479026-G-A. GRCh37 (hg19) VCF-style: chr15-95022255-G-A.
Other names: c.2464G>A, p.Ala822Thr (NM_001159643.2, NM_001385004.1); c.2629G>A, p.Ala877Thr (NM_001385002.1, NM_001385003.1, NM_018349.4); c.2587G>A, p.Ala863Thr (NM_001385005.1); c.2506G>A, p.Ala836Thr (NM_001385006.1); c.2347G>A, p.Ala783Thr (NM_001385007.1); c.2131G>A, p.Ala711Thr (NM_001385009.1); c.1966G>A, p.Ala656Thr (NM_001385010.1); short protein forms A877T, A822T, A656T, A711T, A783T, A836T, A863T.
Identifiers: ClinVar variation 714665 (VCV000714665.7), dbSNP rs34193492, ClinGen allele CA7750594.

ClinVar aggregate classification (germline): Benign. Review status: criteria provided, multiple submitters, no conflicts (2 of 4 stars). 3 submissions from 3 submitters: Benign (2). 1 of the submissions does not count toward it. Last evaluated 2019-12-31.

Conditions:
MCTP2-related disorder. Also called: MCTP2-related condition.

Allele frequency attached by ClinVar (database versions not stated): gnomAD exomes 0.00074 and 0.00197; ExAC 0.00239; 1000 Genomes Project 0.00639; 1000 Genomes Project 30x 0.00750; gnomAD 0.00756 and 0.00803; TOPMed 0.00854; ESP Exome Variant Server 0.01016.
gnomAD v4.1: 2,289 of 1,613,990 alleles (0.14%); highest among the groups gnomAD compares: African/African-American, 2.4%; 25 homozygotes.

Submissions (3):

Labcorp Genetics (formerly Invitae), Labcorp
Classification: Benign. Last evaluated: 2019-12-31. Review status: criteria provided, single submitter. Criteria: Invitae Variant Classification Sherloc (09022015). Collection method: clinical testing. Allele origin: germline.

Breakthrough Genomics
Classification: Benign. Review status: criteria provided, single submitter. Criteria: ACMG Guidelines, 2015. Collection method: not provided. Allele origin: germline. Inheritance: Unknown mechanism. Affected: yes.

PreventionGenetics, part of Exact Sciences
Classification: Benign for MCTP2-related condition. Last evaluated: 2024-06-23. Review status: no assertion criteria provided. Collection method: clinical testing. Allele origin: germline. Not counted in ClinVar's aggregate classification.
Comment: This variant is classified as benign based on ACMG/AMP sequence variant interpretation guidelines (Richards et al. 2015 PMID: 25741868, with internal and published modifications).